The following is an entry in ClinVar:

NM_001378969.1(KCND3):c.207G>A (p.Thr69=)

Gene: KCND3 (potassium voltage-gated channel subfamily D member 3; minus strand). Cytogenetic location: 1p13.2.
Variant type: single nucleotide variant.
Coding change: c.207G>A on transcript NM_001378969.1 (MANE Select); coding-DNA position 207, G replaced by A.
Protein change: p.Thr69=; no amino-acid change (threonine 69 retained).
Molecular consequence: synonymous variant.
Genome position (GRCh38, 1-based): chr1:111,982,520, C>T on the plus strand (G>A on the coding strand, the complement: KCND3 is on the minus strand). VCF-style: chr1-111982520-C-T. GRCh37 (hg19) VCF-style: chr1-112525142-C-T.
Other names: c.207G>A, p.Thr69= (NM_001378970.1, NM_004980.5, NM_172198.3).
Identifiers: ClinVar variation 586065 (VCV000586065.15), dbSNP rs751347311, ClinGen allele CA1007632.

ClinVar aggregate classification (germline): Benign/Likely benign. Review status: criteria provided, multiple submitters, no conflicts (2 of 4 stars). 4 submissions from 4 submitters: Benign (1); Likely benign (2). 1 of the submissions does not count toward it. Last evaluated 2025-05-21.

Conditions:
Spinocerebellar ataxia type 19/22 (SCA19). Also called: SPINOCEREBELLAR ATAXIA 22; SPINOCEREBELLAR ATAXIA 19. Identifiers: Orphanet 98772, MedGen C1846367, MONDO:0011819, OMIM 607346.
Cardiovascular phenotype. Identifiers: MedGen CN230736.
KCND3-related disorder. Also called: KCND3-related condition.

Allele frequency attached by ClinVar (database versions not stated): gnomAD exomes 0.00006; gnomAD 0.00008 and 0.00009; TOPMed 0.00008.
gnomAD v4.1: 228 of 1,607,216 alleles (0.014%); highest among the groups gnomAD compares: Non-Finnish European, 0.018%; 1 homozygote.

Submissions (4):

Labcorp Genetics (formerly Invitae), Labcorp
Classification: Likely benign for Spinocerebellar ataxia type 19/22. Last evaluated: 2025-05-21. Review status: criteria provided, single submitter. Criteria: Invitae Variant Classification Sherloc (09022015). Collection method: clinical testing. Allele origin: germline.

Ambry Genetics
Classification: Likely benign for Cardiovascular phenotype. Last evaluated: 2019-05-23. Review status: criteria provided, single submitter. Criteria: Ambry Variant Classification Scheme 2023. Collection method: clinical testing. Allele origin: germline.

Athena Diagnostics
Classification: Benign. Last evaluated: 2018-02-26. Review status: criteria provided, single submitter. Criteria: Athena Diagnostics Criteria. Collection method: clinical testing. Allele origin: germline.

PreventionGenetics, part of Exact Sciences
Classification: Likely benign for KCND3-related condition. Last evaluated: 2019-09-05. Review status: no assertion criteria provided. Collection method: clinical testing. Allele origin: germline. Not counted in ClinVar's aggregate classification.
Comment: This variant is classified as likely benign based on ACMG/AMP sequence variant interpretation guidelines (Richards et al. 2015 PMID: 25741868, with internal and published modifications).